The following is an entry in ClinVar:

NM_000179.3(MSH6):c.154G>T (p.Glu52Ter)

Gene: MSH6 (mutS homolog 6; plus strand). Cytogenetic location: 2p16.3.
Variant type: single nucleotide variant.
Coding change: c.154G>T on transcript NM_000179.3 (MANE Select); coding-DNA position 154, G replaced by T.
Protein change: p.Glu52Ter; replaces glutamic acid 52 with a stop codon.
Molecular consequence: nonsense. On other transcripts: 5 prime UTR variant (1).
Genome position (GRCh38, 1-based): chr2:47,783,387, G>T. VCF-style: chr2-47783387-G-T. GRCh37 (hg19) VCF-style: chr2-48010526-G-T.
Other names: c.154G>T, p.Glu52Ter (NM_001281492.2); c.-583G>T (NM_001281493.2); short protein forms E52*.
Identifiers: ClinVar variation 428328 (VCV000428328.15), dbSNP rs1114167719, ClinGen allele CA346734949.
Genomic context (GRCh38, chr2:47,783,387, plus strand): 5'-GGCCGTGCCGCCGCTGCCCCCGGGGCCTCTCCTTCCCCAGGCGGGGATGCGGCCTGGAGC[G>T]AGGCTGGGCCTGGGCCCAGGCCCTTGGCGCGCTCCGCGTCACCGCCCAAGGCGAAGAACC-3'

ClinVar aggregate classification (germline): Pathogenic/Likely pathogenic. Review status: criteria provided, multiple submitters, no conflicts (2 of 4 stars). 5 submissions from 5 submitters: Pathogenic (4); Likely pathogenic (1). Last evaluated 2025-06-06.

Conditions:
Lynch syndrome 5 (LYNCH5). Also called: Hereditary non-polyposis colorectal cancer, type 5; Colorectal cancer, hereditary nonpolyposis, type 5. Identifiers: Orphanet 144, MedGen C1833477, MONDO:0013710, OMIM 614350. Disease mechanism: loss of function.
Hereditary nonpolyposis colorectal neoplasms. Identifiers: MedGen C0009405, MeSH D003123.
Endometrial carcinoma. Also called: Endometrial carcinoma, somatic. Identifiers: MedGen C0476089, MONDO:0002447, OMIM 608089, HP:0012114.
Hereditary cancer-predisposing syndrome. Also called: Hereditary Cancer Syndrome; Neoplastic Syndromes, Hereditary; Hereditary neoplastic syndrome; Tumor predisposition. Identifiers: Orphanet 140162, MedGen C0027672, MeSH D009386, MONDO:0015356.

gnomAD v4.1: 1 of 1,584,964 alleles (0.000063%); no homozygotes.

Submissions (5):

GeneDx
Classification: Pathogenic. Last evaluated: 2025-06-06. Review status: criteria provided, single submitter. Criteria: GeneDx Variant Classification Process June 2021. Collection method: clinical testing. Allele origin: germline. Affected: yes.
Comment: Nonsense variant predicted to result in protein truncation or nonsense mediated decay in a gene for which loss of function is a known mechanism of disease; Truncating variants in this gene are considered pathogenic by a well-established clinical consortium and/or database; Not observed at significant frequency in large population cohorts (gnomAD); Has not been previously published as pathogenic or benign to our knowledge

Myriad Genetics, Inc.
Classification: Pathogenic for Lynch syndrome 5. Last evaluated: 2023-08-09. Review status: criteria provided, single submitter. Criteria: Myriad Autosomal Dominant, Autosomal Recessive and X-Linked Classification Criteria (2023). Collection method: clinical testing. Allele origin: unknown.
Comment: This variant is considered pathogenic. This variant creates a termination codon and is predicted to result in premature protein truncation.

Labcorp Genetics (formerly Invitae), Labcorp
Classification: Pathogenic for Hereditary nonpolyposis colorectal neoplasms. Last evaluated: 2023-02-14. Review status: criteria provided, single submitter. Criteria: Invitae Variant Classification Sherloc (09022015). Collection method: clinical testing. Allele origin: germline.
Comment: For these reasons, this variant has been classified as Pathogenic. ClinVar contains an entry for this variant (Variation ID: 428328). This variant has not been reported in the literature in individuals affected with MSH6-related conditions. This variant is not present in population databases (gnomAD no frequency). This sequence change creates a premature translational stop signal (p.Glu52*) in the MSH6 gene. It is expected to result in an absent or disrupted protein product. Loss-of-function variants in MSH6 are known to be pathogenic (PMID: 18269114, 24362816).

Baylor Genetics
Classification: Likely pathogenic for Endometrial carcinoma. Last evaluated: 2021-11-04. Review status: criteria provided, single submitter. Criteria: ACMG Guidelines, 2015. Collection method: clinical testing. Allele origin: unknown.

Ambry Genetics
Classification: Pathogenic for Hereditary cancer-predisposing syndrome. Last evaluated: 2021-08-03. Review status: criteria provided, single submitter. Criteria: Ambry Variant Classification Scheme 2023. Collection method: clinical testing. Allele origin: germline.
Comment: The p.E52* pathogenic mutation (also known as c.154G>T), located in coding exon 1 of the MSH6 gene, results from a G to T substitution at nucleotide position 154. This changes the amino acid from a glutamic acid to a stop codon within coding exon 1. This alteration is expected to result in loss of function by premature protein truncation or nonsense-mediated mRNA decay. As such, this alteration is interpreted as a disease-causing mutation.

Literature cited by the submitters: PubMed 18269114 (cited by Labcorp Genetics (formerly Invitae), Labcorp); PubMed 24362816 (cited by Labcorp Genetics (formerly Invitae), Labcorp).